The following is an entry in ClinVar:

NM_000719.7(CACNA1C):c.5879G>A (p.Gly1960Asp)

Genes: CACNA1C (calcium voltage-gated channel subunit alpha1 C; plus strand), CACNA1C-AS1 (CACNA1C antisense RNA 1; minus strand). Cytogenetic location: 12p13.33.
Variant type: single nucleotide variant.
Coding change: c.5879G>A on transcript NM_000719.7 (MANE Select); coding-DNA position 5879, G replaced by A.
Protein change: p.Gly1960Asp; replaces glycine 1960 with aspartic acid.
Molecular consequence: missense variant.
Genome position (GRCh38, 1-based): chr12:2,688,541, G>A. VCF-style: chr12-2688541-G-A. GRCh37 (hg19) VCF-style: chr12-2797707-G-A.
Other names: c.5846G>A, p.Gly1949Asp (NM_001129846.2); c.5879G>A, p.Gly1960Asp (NM_001167623.2, NM_001129840.2, NM_001129841.2 and 2 more transcripts); c.5984G>A, p.Gly1995Asp (NM_001167624.3, NM_001129830.3); c.6059G>A, p.Gly2020Asp (NM_001167625.2); c.6128G>A, p.Gly2043Asp (NM_199460.4); c.6023G>A, p.Gly2008Asp (NM_001129827.2); c.6002G>A, p.Gly2001Asp (NM_001129829.2); c.5963G>A, p.Gly1988Asp (NM_001129831.2); and 6 more; short protein forms G1949D, G1957D, G1960D, G1966D, G1968D, G1977D, G1979D, G1980D.
Identifiers: ClinVar variation 4868053 (VCV004868053.1).

ClinVar aggregate classification (germline): Uncertain significance (1 of 4 stars; one submission).

Conditions:
Cardiovascular phenotype. Identifiers: MedGen CN230736.

gnomAD v4.1: 1 of 1,613,938 alleles (0.000062%); highest among the groups gnomAD compares: Non-Finnish European, 0.000085%; no homozygotes.

Submission:

Ambry Genetics
Classification: Uncertain significance for Cardiovascular phenotype. Last evaluated: 2026-03-21. Review status: criteria provided, single submitter. Criteria: Ambry Variant Classification Scheme 2023. Collection method: clinical testing. Allele origin: germline.
Comment: The p.G1960D variant (also known as c.5879G>A), located in coding exon 46 of the CACNA1C gene, results from a G to A substitution at nucleotide position 5879. The glycine at codon 1960 is replaced by aspartic acid, an amino acid with similar properties. This amino acid position is conserved. In addition, this alteration is predicted to be tolerated by in silico analysis. Based on the available evidence, the clinical significance of this variant remains unclear.